The following is an entry in ClinVar:

ClinVar aggregate classification (germline): Pathogenic. Review status: reviewed by expert panel (3 of 4 stars). 5 submissions from 5 submitters: Pathogenic (1). 4 of the submissions do not count toward it. Last evaluated 2016-10-18.

Conditions:
Hereditary cancer-predisposing syndrome. Also called: Neoplastic Syndromes, Hereditary; Tumor predisposition; Hereditary neoplastic syndrome; Hereditary Cancer Syndrome. Identifiers: Orphanet 140162, MedGen C0027672, MeSH D009386, MONDO:0015356.
Hereditary breast ovarian cancer syndrome. Also called: Hereditary breast and ovarian cancer syndrome; Hereditary breast and ovarian cancer; Hereditary breast and ovarian cancer syndrome (HBOC); Breast and ovarian cancer; Hereditary breast and/or ovarian cancer syndrome; BRCA1- and BRCA2-Associated Hereditary Breast and Ovarian Cancer. Identifiers: Orphanet 145, MedGen C0677776, MeSH D061325, MONDO:0003582. Disease mechanism: loss of function.
Breast-ovarian cancer, familial, susceptibility to, 2 (BROVCA2). Also called: BRCA2 Hereditary Breast and Ovarian Cancer. Identifiers: Orphanet 145, MedGen C2675520, MONDO:0012933, OMIM 612555. Disease mechanism: loss of function.

Submissions (5):

Evidence-based Network for the Interpretation of Germline Mutant Alleles (ENIGMA)
Classification: Pathogenic for Breast-ovarian cancer, familial, susceptibility to, 2. Last evaluated: 2016-10-18. Review status: reviewed by expert panel. Criteria: ENIGMA BRCA1/2 Classification Criteria (2015). Collection method: curation. Allele origin: germline.
Comment: Variant allele predicted to encode a truncated non-functional protein.

Ambry Genetics
Classification: Pathogenic for Hereditary cancer-predisposing syndrome. Last evaluated: 2025-07-31. Review status: criteria provided, single submitter. Criteria: Ambry Variant Classification Scheme 2023. Collection method: clinical testing. Allele origin: germline. Not counted in ClinVar's aggregate classification.
Comment: The c.5254delC pathogenic mutation, located in coding exon 10 of the BRCA2 gene, results from a deletion of one nucleotide at nucleotide position 5254, causing a translational frameshift with a predicted alternate stop codon (p.H1752Ifs*25). This variant is considered to be rare based on population cohorts in the Genome Aggregation Database (gnomAD). This alteration is expected to result in loss of function by premature protein truncation or nonsense-mediated mRNA decay. As such, this alteration is interpreted as a disease-causing mutation.

GeneDx
Classification: Pathogenic. Last evaluated: 2018-05-22. Review status: criteria provided, single submitter. Criteria: GeneDx Variant Classification (06012015). Collection method: clinical testing. Allele origin: germline. Affected: yes. Not counted in ClinVar's aggregate classification.
Comment: This deletion of one nucleotide in BRCA2 is denoted c.5254delC at the cDNA level and p.His1752IlefsX25 (H1752IfsX25) at the protein level. The normal sequence, with the base that is deleted in brackets, is CTAC[delC]ATTC. The deletion causes a frameshift, which changes a Histidine to an Isoleucine at codon 1752 and creates a premature stop codon at position 25 of the new reading frame. This variant is predicted to cause loss of normal protein function through either protein truncation or nonsense-mediated mRNA decay. We consider this variant to be pathogenic.

Consortium of Investigators of Modifiers of BRCA1/2 (CIMBA), c/o University of Cambridge
Classification: Pathogenic for Breast-ovarian cancer, familial, susceptibility to, 2. Last evaluated: 2015-10-02. Review status: criteria provided, single submitter. Criteria: CIMBA Mutation Classification guidelines May 2016. Collection method: clinical testing. Allele origin: germline. Not counted in ClinVar's aggregate classification.

Research Molecular Genetics Laboratory, Women's College Hospital, University of Toronto
Classification: Pathogenic for Hereditary breast ovarian cancer syndrome. Last evaluated: 2014-01-31. Review status: no assertion criteria provided. Collection method: research. Allele origin: germline. Affected: yes. Study: The Canadian Open Genetics Repository (COGR). Not counted in ClinVar's aggregate classification.

Literature cited by the submitters: PubMed 15131399 (cited by Ambry Genetics); PubMed 18042939 (cited by Ambry Genetics).

NM_000059.4(BRCA2):c.5254del (p.His1752fs)

Gene: BRCA2 (BRCA2 DNA repair associated; plus strand). Cytogenetic location: 13q13.1.
Variant type: Deletion.
Coding change: c.5254del on transcript NM_000059.4 (MANE Select); coding-DNA position 5254, one base deleted (C; older notation c.5254delC).
Protein change: p.His1752fs; shifts the reading frame from histidine 1752.
Molecular consequence: frameshift variant.
Genome position (GRCh38, 1-based): chr13:32,339,609, C deleted; the last of 2 consecutive C bases (chr13:32,339,608-32,339,609); deleting either gives the same sequence. VCF-style (leftmost placement, unchanged base first): chr13-32339607-AC-A. GRCh37 (hg19) VCF-style: chr13-32913744-AC-A.
Other names: 5482delC; c.5254delC (NM_000059.3).
Identifiers: ClinVar variation 51831 (VCV000051831.13), dbSNP rs397507777, ClinGen allele CA021869.